The following is an entry in ClinVar:

NM_024408.4(NOTCH2):c.6154G>T (p.Asp2052Tyr)

Gene: NOTCH2 (notch receptor 2; minus strand). Cytogenetic location: 1p12.
Variant type: single nucleotide variant.
Coding change: c.6154G>T on transcript NM_024408.4 (MANE Select); coding-DNA position 6154, G replaced by T.
Protein change: p.Asp2052Tyr; replaces aspartic acid 2052 with tyrosine.
Molecular consequence: missense variant.
Genome position (GRCh38, 1-based): chr1:119,916,568, C>A on the plus strand (G>T on the coding strand, the complement: NOTCH2 is on the minus strand). VCF-style: chr1-119916568-C-A. GRCh37 (hg19) VCF-style: chr1-120459191-C-A.
Other names: short protein forms D2052Y.
Identifiers: ClinVar variation 2770831 (VCV002770831.3), dbSNP rs912151272, ClinGen allele CA30313894.
Genomic context (GRCh38, chr1:119,916,568, plus strand): 5'-GAGGGCTTGGGGTCACATTGTATTCATCCAGAAGGCGCACAATGTCATGGTGCATGCGAT[C>A]CCGAGCCACATCCCGGGGAAGACGATCCATATGGTCTGTGATGTCTCGATTGGCAAAATG-3'
Protein context (NP_077719.2, residues 2042-2062): MDRLPRDVAR[Asp2052Tyr]RMHHDIVRLL

ClinVar aggregate classification (germline): Uncertain significance (1 of 4 stars; one submission).

Conditions:
Hajdu-Cheney syndrome (HJCYS). Also called: SERPENTINE FIBULA-POLYCYSTIC KIDNEY SYNDROME; ACROOSTEOLYSIS WITH OSTEOPOROSIS AND CHANGES IN SKULL AND MANDIBLE; Acroosteolysis dominant type. Identifiers: Orphanet 955, MedGen C0917715, MONDO:0007057, OMIM 102500.

Allele frequency attached by ClinVar (database versions not stated): TOPMed 0.00001.

Submission:

Labcorp Genetics (formerly Invitae), Labcorp
Classification: Uncertain significance for Hajdu-Cheney syndrome. Last evaluated: 2024-11-11. Review status: criteria provided, single submitter. Criteria: Invitae Variant Classification Sherloc (09022015). Collection method: clinical testing. Allele origin: germline.
Comment: This sequence change replaces aspartic acid, which is acidic and polar, with tyrosine, which is neutral and polar, at codon 2052 of the NOTCH2 protein (p.Asp2052Tyr). This variant is not present in population databases (gnomAD no frequency). This variant has not been reported in the literature in individuals affected with NOTCH2-related conditions. ClinVar contains an entry for this variant (Variation ID: 2770831). Invitae Evidence Modeling of protein sequence and biophysical properties (such as structural, functional, and spatial information, amino acid conservation, physicochemical variation, residue mobility, and thermodynamic stability) indicates that this missense variant is not expected to disrupt NOTCH2 protein function with a negative predictive value of 80%. In summary, the available evidence is currently insufficient to determine the role of this variant in disease. Therefore, it has been classified as a Variant of Uncertain Significance.